The following is an entry in ClinVar:

NM_000535.7(PMS2):c.339A>T (p.Ser113=)

Gene: PMS2 (PMS1 homolog 2, mismatch repair system component; minus strand). Cytogenetic location: 7p22.1.
Variant type: single nucleotide variant.
Coding change: c.339A>T on transcript NM_000535.7 (MANE Select); coding-DNA position 339, A replaced by T.
Protein change: p.Ser113=; no amino-acid change (serine 113 retained).
Molecular consequence: synonymous variant. On other transcripts: 5 prime UTR variant (9), non-coding transcript variant (1), intron variant (2).
Genome position (GRCh38, 1-based): chr7:6,003,704, T>A on the plus strand (A>T on the coding strand, the complement: PMS2 is on the minus strand). VCF-style: chr7-6003704-T-A. GRCh37 (hg19) VCF-style: chr7-6043335-T-A.
Other names: c.-67A>T (NM_001322003.2, NM_001322004.2, NM_001322005.2 and 3 more transcripts); c.339A>T, p.Ser113= (NM_001322006.2, NM_001322014.2); c.-546A>T (NM_001322011.2, NM_001322012.2); c.-146A>T (NM_001322015.2); c.35+268A>T (NM_001322008.2, NM_001322007.2).
Identifiers: ClinVar variation 455711 (VCV000455711.20), dbSNP rs951573893, ClinGen allele CA153247835.

ClinVar aggregate classification (germline): Benign/Likely benign. Review status: criteria provided, multiple submitters, no conflicts (2 of 4 stars). 5 submissions from 5 submitters: Benign (1); Likely benign (4). Last evaluated 2025-07-14.

Conditions:
Hereditary nonpolyposis colorectal neoplasms. Identifiers: MedGen C0009405, MeSH D003123.
Hereditary cancer-predisposing syndrome. Also called: Hereditary Cancer Syndrome; Hereditary neoplastic syndrome; Neoplastic Syndromes, Hereditary; Tumor predisposition. Identifiers: Orphanet 140162, MedGen C0027672, MeSH D009386, MONDO:0015356.
Lynch syndrome. Identifiers: Orphanet 144, MedGen C4552100, MONDO:0005835. Disease mechanism: loss of function.
Lynch syndrome 4 (LYNCH4). Also called: Colorectal cancer, hereditary nonpolyposis, type 4; Hereditary non-polyposis colorectal cancer, type 4. Identifiers: Orphanet 144, MedGen C1838333, MONDO:0013699, OMIM 614337. Disease mechanism: loss of function.

Allele frequency attached by ClinVar (database versions not stated): gnomAD exomes below 0.00001; gnomAD 0.00001; TOPMed 0.00003.

Submissions (5):

Labcorp Genetics (formerly Invitae), Labcorp
Classification: Likely benign for Hereditary nonpolyposis colorectal neoplasms. Last evaluated: 2025-07-14. Review status: criteria provided, single submitter. Criteria: Invitae Variant Classification Sherloc (09022015). Collection method: clinical testing. Allele origin: germline.

Myriad Genetics, Inc.
Classification: Benign for Lynch syndrome 4. Last evaluated: 2025-01-24. Review status: criteria provided, single submitter. Criteria: Myriad Autosomal Dominant, Autosomal Recessive and X-Linked Classification Criteria (2023). Collection method: clinical testing. Allele origin: unknown.
Comment: This variant is considered benign. This variant is a silent/synonymous amino acid change and it is not expected to impact splicing.

All of Us Research Program, National Institutes of Health
Classification: Likely benign for Lynch syndrome. Last evaluated: 2023-05-30. Review status: criteria provided, single submitter. Criteria: ACMG Guidelines, 2015. Collection method: clinical testing. Allele origin: germline. Inheritance: Autosomal dominant inheritance. Observed: 1 variant allele, 1 heterozygote.
Comment: This study involves interpretation of variants in research participants for the purpose of population health screening. Participant phenotype was not available at the time of variant classification. Additional details can be found in publication PMID: 35346344, PMCID: PMC8962531

Color Diagnostics, LLC DBA Color Health
Classification: Likely benign for Hereditary cancer-predisposing syndrome. Last evaluated: 2018-08-17. Review status: criteria provided, single submitter. Criteria: ACMG Guidelines, 2015. Collection method: clinical testing. Allele origin: germline.

Ambry Genetics
Classification: Likely benign for Hereditary cancer-predisposing syndrome. Last evaluated: 2016-03-21. Review status: criteria provided, single submitter. Criteria: Ambry Variant Classification Scheme 2023. Collection method: clinical testing. Allele origin: germline.